The following is an entry in ClinVar:

NM_052947.4(ALPK2):c.5621C>G (p.Thr1874Arg)

Gene: ALPK2 (alpha kinase 2; minus strand). Cytogenetic location: 18q21.31.
Variant type: single nucleotide variant.
Coding change: c.5621C>G on transcript NM_052947.4 (MANE Select); coding-DNA position 5621, C replaced by G.
Protein change: p.Thr1874Arg; replaces threonine 1874 with arginine.
Molecular consequence: missense variant.
Genome position (GRCh38, 1-based): chr18:58,523,943, G>C on the plus strand (C>G on the coding strand, the complement: ALPK2 is on the minus strand). VCF-style: chr18-58523943-G-C. GRCh37 (hg19) VCF-style: chr18-56191175-G-C.
Other names: short protein forms T1874R.
Identifiers: ClinVar variation 2451081 (VCV002451081.2), dbSNP rs750396924, ClinGen allele CA8976432.

ClinVar aggregate classification (germline): Uncertain significance (1 of 4 stars; one submission).

Allele frequency attached by ClinVar (database versions not stated): ExAC 0.00001.
gnomAD v4.1: 3 of 1,614,194 alleles (0.00019%); highest among the groups gnomAD compares: Non-Finnish European, 0.00025%; no homozygotes.

Submission:

Ambry Genetics
Classification: Uncertain significance. Last evaluated: 2022-12-14. Review status: criteria provided, single submitter. Criteria: Ambry Variant Classification Scheme 2023. Collection method: clinical testing. Allele origin: germline.
Comment: The p.T1874R variant (also known as c.5621C>G), located in coding exon 6 of the ALPK2 gene, results from a C to G substitution at nucleotide position 5621. The threonine at codon 1874 is replaced by arginine, an amino acid with similar properties. This amino acid position is conserved. In addition, the in silico prediction for this alteration is inconclusive. Since supporting evidence is limited at this time, the clinical significance of this alteration remains unclear.